The following is an entry in ClinVar:

NM_016390.4(SPOUT1):c.91G>A (p.Glu31Lys)

Genes: KYAT1-SPOUT1 (KYAT1-SPOUT1 readthrough; minus strand), SPOUT1 (SPOUT domain containing methyltransferase 1; minus strand). Cytogenetic location: 9q34.11.
Variant type: single nucleotide variant.
Coding change: c.91G>A on transcript NM_016390.4 (MANE Select); coding-DNA position 91, G replaced by A.
Protein change: p.Glu31Lys; replaces glutamic acid 31 with lysine.
Molecular consequence: missense variant. On other transcripts: non-coding transcript variant (2).
Genome position (GRCh38, 1-based): chr9:128,828,852, C>T on the plus strand (G>A on the coding strand, the complement: SPOUT1 is on the minus strand). VCF-style: chr9-128828852-C-T. GRCh37 (hg19) VCF-style: chr9-131591131-C-T.
Other names: c.1438G>A, p.Glu480Lys (NM_001414398.1); short protein forms E31K, E480K.
Identifiers: ClinVar variation 2659549 (VCV002659549.24), dbSNP rs141898678, ClinGen allele CA5270023.
Genomic context (GRCh38, chr9:128,828,852, plus strand): 5'-CCTGTGCCCGCTGCCGCTCCAGTTTTTTCATCAGCTTGAGATCCTTCCATTTTTTTTTCT[C>T]CTCTTTCTCTGGATAAAAGAACATCCTAATTGGCCAAGGAGACAGTTCCCACTCATTGGG-3'
Protein context (NP_057474.2, residues 21-41): WRKWKQQKKE[Glu31Lys]KKKWKDLKLM

ClinVar aggregate classification (germline): Likely benign (1 of 4 stars; one submission).

Allele frequency attached by ClinVar (database versions not stated): 1000 Genomes Project 30x 0.00062; 1000 Genomes Project 0.00080; TOPMed 0.00357; gnomAD 0.00493; ESP Exome Variant Server 0.00569; ExAC 0.00596; gnomAD exomes 0.00600.
gnomAD v4.1: 9,397 of 1,613,622 alleles (0.58%); highest among the groups gnomAD compares: Non-Finnish European, 0.65%; 47 homozygotes.

Submission:

CeGaT Center for Human Genetics Tuebingen
Classification: Likely benign. Last evaluated: 2026-08-01. Review status: criteria provided, single submitter. Criteria: CeGaT Center For Human Genetics Tuebingen Variant Classification Criteria Version 2. Collection method: clinical testing. Allele origin: germline. Affected: yes. Observed: 6 variant alleles.
Comment: SPOUT1: BP4, BS2